The following is an entry in ClinVar:

NM_000271.5(NPC1):c.137G>A (p.Gly46Asp)

Gene: NPC1 (NPC intracellular cholesterol transporter 1; minus strand). Cytogenetic location: 18q11.2.
Variant type: single nucleotide variant.
Coding change: c.137G>A on transcript NM_000271.5 (MANE Select); coding-DNA position 137, G replaced by A.
Protein change: p.Gly46Asp; replaces glycine 46 with aspartic acid.
Molecular consequence: missense variant.
Genome position (GRCh38, 1-based): chr18:23,573,495, C>T on the plus strand (G>A on the coding strand, the complement: NPC1 is on the minus strand). VCF-style: chr18-23573495-C-T. GRCh37 (hg19) VCF-style: chr18-21153459-C-T.
Other names: short protein forms G46D.
Identifiers: ClinVar variation 1060009 (VCV001060009.9), dbSNP rs1425737401, ClinGen allele CA402041264.

ClinVar aggregate classification (germline): Uncertain significance (1 of 4 stars; one submission).

Conditions:
Niemann-Pick disease, type C1. Also called: NIEMANN-PICK DISEASE, VARIANT TYPE C1; NEUROVISCERAL STORAGE DISEASE WITH VERTICAL SUPRANUCLEAR OPHTHALMOPLEGIA; NIEMANN-PICK DISEASE WITH CHOLESTEROL ESTERIFICATION BLOCK; NIEMANN-PICK DISEASE WITHOUT SPHINGOMYELINASE DEFICIENCY; NIEMANN-PICK DISEASE, CHRONIC NEURONOPATHIC FORM. Identifiers: Orphanet 646, MedGen C3179455, MONDO:0009757, OMIM 257220.

Submission:

Labcorp Genetics (formerly Invitae), Labcorp
Classification: Uncertain significance for Niemann-Pick disease, type C1. Last evaluated: 2020-09-30. Review status: criteria provided, single submitter. Criteria: Invitae Variant Classification Sherloc (09022015). Collection method: clinical testing. Allele origin: germline.
Comment: In summary, the available evidence is currently insufficient to determine the role of this variant in disease. Therefore, it has been classified as a Variant of Uncertain Significance. Advanced modeling of protein sequence and biophysical properties (such as structural, functional, and spatial information, amino acid conservation, physicochemical variation, residue mobility, and thermodynamic stability) performed at Invitae indicates that this missense variant is expected to disrupt NPC1 protein function. This variant has not been reported in the literature in individuals with NPC1-related conditions. This variant is not present in population databases (ExAC no frequency). This sequence change replaces glycine with aspartic acid at codon 46 of the NPC1 protein (p.Gly46Asp). The glycine residue is moderately conserved and there is a moderate physicochemical difference between glycine and aspartic acid.